The following is an entry in ClinVar:

ClinVar aggregate classification (germline): Uncertain significance (1 of 4 stars; one submission).

Conditions:
Neutropenia, severe congenital, 2, autosomal dominant. Identifiers: Orphanet 486, MedGen C2751288, MONDO:0013139, OMIM 613107.

Allele frequency attached by ClinVar (database versions not stated): ExAC 0.00001; gnomAD exomes 0.00001.

Submission:

Labcorp Genetics (formerly Invitae), Labcorp
Classification: Uncertain significance for Neutropenia, severe congenital, 2, autosomal dominant. Last evaluated: 2018-02-01. Review status: criteria provided, single submitter. Criteria: Invitae Variant Classification Sherloc (09022015). Collection method: clinical testing. Allele origin: germline.
Comment: In summary, the available evidence is currently insufficient to determine the role of this variant in disease. Therefore, it has been classified as a Variant of Uncertain Significance. Algorithms developed to predict the effect of missense changes on protein structure and function output the following: SIFT: "Tolerated"; PolyPhen-2: "Benign"; Align-GVGD: "Class C0". The aspartic acid amino acid residue is found in multiple mammalian species, suggesting that this missense change does not adversely affect protein function. These predictions have not been confirmed by published functional studies and their clinical significance is uncertain. This variant has not been reported in the literature in individuals with GFI1-related disease. This variant is present in population databases (rs769364541, ExAC 0.002%). This sequence change replaces glycine with aspartic acid at codon 219 of the GFI1 protein (p.Gly219Asp). The glycine residue is weakly conserved and there is a moderate physicochemical difference between glycine and aspartic acid.

NM_005263.5(GFI1):c.656G>A (p.Gly219Asp)

Gene: GFI1 (growth factor independent 1 transcriptional repressor; minus strand). Cytogenetic location: 1p22.1.
Variant type: single nucleotide variant.
Coding change: c.656G>A on transcript NM_005263.5 (MANE Select); coding-DNA position 656, G replaced by A.
Protein change: p.Gly219Asp; replaces glycine 219 with aspartic acid.
Molecular consequence: missense variant.
Genome position (GRCh38, 1-based): chr1:92,480,731, C>T on the plus strand (G>A on the coding strand, the complement: GFI1 is on the minus strand). VCF-style: chr1-92480731-C-T. GRCh37 (hg19) VCF-style: chr1-92946288-C-T.
Other names: c.656G>A, p.Gly219Asp (NM_001127215.3, NM_001127216.3); short protein forms G219D.
Identifiers: ClinVar variation 1062321 (VCV001062321.9), dbSNP rs769364541, ClinGen allele CA951348.
Genomic context (GRCh38, chr1:92,480,731, plus strand): 5'-ACCTTGACGCCAGCGCCCTTGTCTGCGTGCAGCCCGTGGCCACGCTCGGGGTACAGCAAG[C>T]CCGCCGCTGCCGTGGGCCTCTCATACAGCCCGGCTGCCGCAGACCCGAAGTCGCCGTAGA-3'
Protein context (NP_005254.2, residues 209-229): GLYERPTAAA[Gly219Asp]LLYPERGHGL